The following is an entry in ClinVar:

NM_000719.7(CACNA1C):c.127A>C (p.Ile43Leu)

Gene: CACNA1C (calcium voltage-gated channel subunit alpha1 C; plus strand). Cytogenetic location: 12p13.33.
Variant type: single nucleotide variant.
Coding change: c.127A>C on transcript NM_000719.7 (MANE Select); coding-DNA position 127, A replaced by C.
Protein change: p.Ile43Leu; replaces isoleucine 43 with leucine.
Molecular consequence: missense variant.
Genome position (GRCh38, 1-based): chr12:2,115,301, A>C. VCF-style: chr12-2115301-A-C. GRCh37 (hg19) VCF-style: chr12-2224467-A-C.
Other names: c.127A>C, p.Ile43Leu (NM_001129827.2, NM_001129829.2, NM_001129830.3 and 19 more transcripts); short protein forms I43L.
Identifiers: ClinVar variation 2566930 (VCV002566930.2), dbSNP rs2547561885, ClinGen allele CA383652988.

ClinVar aggregate classification (germline): Uncertain significance (1 of 4 stars; one submission).

Conditions:
Cardiovascular phenotype. Identifiers: MedGen CN230736.

Submission:

Ambry Genetics
Classification: Uncertain significance for Cardiovascular phenotype. Last evaluated: 2023-06-13. Review status: criteria provided, single submitter. Criteria: Ambry Variant Classification Scheme 2023. Collection method: clinical testing. Allele origin: germline.
Comment: The p.I43L variant (also known as c.127A>C), located in coding exon 2 of the CACNA1C gene, results from an A to C substitution at nucleotide position 127. The isoleucine at codon 43 is replaced by leucine, an amino acid with highly similar properties. This amino acid position is highly conserved in available vertebrate species. In addition, the in silico prediction for this alteration is inconclusive. Since supporting evidence is limited at this time, the clinical significance of this alteration remains unclear.